The following is an entry in ClinVar:

ClinVar aggregate classification (germline): Uncertain significance (1 of 4 stars; one submission).

Conditions:
NOTCH2-related disorder. Also called: NOTCH2-related condition.

Submission:

PreventionGenetics, part of Exact Sciences
Classification: Uncertain significance for NOTCH2-related condition. Last evaluated: 2026-01-23. Review status: criteria provided, single submitter. Criteria: ACMG Guidelines, 2015. Collection method: clinical testing. Allele origin: germline.
Comment: The NOTCH2 c.1223A>C variant is predicted to result in the amino acid substitution p.Lys408Thr. To our knowledge, this variant has not been reported in the literature or in a large population database (gnomAD), indicating this variant is rare. At this time, the clinical significance of this variant is uncertain due to the absence of conclusive functional and genetic evidence.

NM_024408.4(NOTCH2):c.1223A>C (p.Lys408Thr)

Gene: NOTCH2 (notch receptor 2; minus strand). Cytogenetic location: 1p12.
Variant type: single nucleotide variant.
Coding change: c.1223A>C on transcript NM_024408.4 (MANE Select); coding-DNA position 1223, A replaced by C.
Protein change: p.Lys408Thr; replaces lysine 408 with threonine.
Molecular consequence: missense variant.
Genome position (GRCh38, 1-based): chr1:119,968,118, T>G on the plus strand (A>C on the coding strand, the complement: NOTCH2 is on the minus strand). VCF-style: chr1-119968118-T-G. GRCh37 (hg19) VCF-style: chr1-120510741-T-G.
Other names: c.1223A>C, p.Lys408Thr (NM_001200001.2); short protein forms K408T.
Identifiers: ClinVar variation 4993636 (VCV004993636.1).